The following is an entry in ClinVar:

NM_015047.3(EMC1):c.868C>A (p.Gln290Lys)

Genes: EMC1 (ER membrane protein complex subunit 1; minus strand), EMC1-AS1 (EMC1 antisense RNA 1; plus strand). Cytogenetic location: 1p36.13.
Variant type: single nucleotide variant.
Coding change: c.868C>A on transcript NM_015047.3 (MANE Select); coding-DNA position 868, C replaced by A.
Protein change: p.Gln290Lys; replaces glutamine 290 with lysine.
Molecular consequence: missense variant.
Genome position (GRCh38, 1-based): chr1:19,239,904, G>T on the plus strand (C>A on the coding strand, the complement: EMC1 is on the minus strand). VCF-style: chr1-19239904-G-T. GRCh37 (hg19) VCF-style: chr1-19566398-G-T.
Other names: c.868C>A (NM_015047.1); c.868C>A, p.Gln290Lys (NM_001271427.2, NM_001271428.2, NM_001375820.1 and 1 more transcripts); c.802C>A, p.Gln268Lys (NM_001271429.2); short protein forms Q290K, Q268K.
Identifiers: ClinVar variation 1361887 (VCV001361887.7), dbSNP rs2093593919, ClinGen allele CA338768206.

ClinVar aggregate classification (germline): Uncertain significance. Review status: criteria provided, multiple submitters, no conflicts (2 of 4 stars). 2 submissions from 2 submitters: Uncertain significance (2). Last evaluated 2023-01-26.

Conditions:
Inborn genetic diseases. Identifiers: MedGen C0950123, MeSH D030342.

Allele frequency attached by ClinVar (database versions not stated): TOPMed below 0.00001.

Submissions (2):

Ambry Genetics
Classification: Uncertain significance for Inborn genetic diseases. Last evaluated: 2023-01-26. Review status: criteria provided, single submitter. Criteria: Ambry Variant Classification Scheme 2023. Collection method: clinical testing. Allele origin: germline.

Labcorp Genetics (formerly Invitae), Labcorp
Classification: Uncertain significance. Last evaluated: 2021-10-25. Review status: criteria provided, single submitter. Criteria: Invitae Variant Classification Sherloc (09022015). Collection method: clinical testing. Allele origin: germline.
Comment: In summary, the available evidence is currently insufficient to determine the role of this variant in disease. Therefore, it has been classified as a Variant of Uncertain Significance. Algorithms developed to predict the effect of missense changes on protein structure and function (SIFT, PolyPhen-2, Align-GVGD) all suggest that this variant is likely to be tolerated. This variant has not been reported in the literature in individuals affected with EMC1-related conditions. This variant is not present in population databases (gnomAD no frequency). This sequence change replaces glutamine, which is neutral and polar, with lysine, which is basic and polar, at codon 290 of the EMC1 protein (p.Gln290Lys).